The following is an entry in ClinVar:

ClinVar aggregate classification (germline): Pathogenic (1 of 4 stars; one submission).

Conditions:
Hypercholesterolemia, autosomal dominant, type B (FHCL2). Also called: APOB-Related Familial Hypercholesterolemia, Autosomal Dominant; Familial Hypercholesterolemia Type B; APOLIPOPROTEIN B-100, FAMILIAL DEFECTIVE; APOLIPOPROTEIN B-100, FAMILIAL LIGAND-DEFECTIVE; HYPERCHOLESTEROLEMIA, FAMILIAL, DUE TO LIGAND-DEFECTIVE APOLIPOPROTEIN B; Hyperlipoproteinemia Type IIb. Identifiers: MedGen C1704417, MONDO:0007751, OMIM 144010.
Familial hypobetalipoproteinemia 1. Also called: Hypobetalipoproteinemia, normotriglyceridemic; Acanthocytosis with hypobetalipoproteinemia; APOB-Related Familial Hypobetalipoproteinemia. Identifiers: MedGen C4551990, MONDO:0014252, OMIM 615558.

Submission:

Labcorp Genetics (formerly Invitae), Labcorp
Classification: Pathogenic for Familial hypobetalipoproteinemia 1; Hypercholesterolemia, autosomal dominant, type B. Last evaluated: 2023-09-18. Review status: criteria provided, single submitter. Criteria: Invitae Variant Classification Sherloc (09022015). Collection method: clinical testing. Allele origin: germline.
Comment: For these reasons, this variant has been classified as Pathogenic. This variant has not been reported in the literature in individuals affected with APOB-related conditions. This variant is not present in population databases (gnomAD no frequency). This sequence change creates a premature translational stop signal (p.Thr2373Cysfs*6) in the APOB gene. It is expected to result in an absent or disrupted protein product. Loss-of-function variants in APOB are known to be pathogenic (PMID: 20032471).

Literature cited by the submitters: PubMed 20032471.

NM_000384.3(APOB):c.7116_7135del (p.Thr2373fs)

Gene: APOB (apolipoprotein B; minus strand). Cytogenetic location: 2p24.1.
Variant type: Deletion.
Coding change: c.7116_7135del on transcript NM_000384.3 (MANE Select); coding-DNA positions 7116 to 7135, 20 bases deleted (GACTATTCAGAAGCTAAGCA).
Protein change: p.Thr2373fs; shifts the reading frame from threonine 2373.
Molecular consequence: frameshift variant.
Genome position (GRCh38, 1-based): chr2:21,009,733-21,009,752, TGCTTAGCTTCTGAATAGTC deleted on the plus strand (GACTATTCAGAAGCTAAGCA on the coding strand, the reverse complement: APOB is on the minus strand); deleting any 20 consecutive bases within chr2:21,009,733-21,009,753 gives the same sequence; the c. name uses the placement nearest the transcript's 3' end. VCF-style (leftmost placement, unchanged base first): chr2-21009732-TTGCTTAGCTTCTGAATAGTC-T. GRCh37 (hg19) VCF-style: chr2-21232604-TTGCTTAGCTTCTGAATAGTC-T.
Other names: short protein forms T2373fs.
Identifiers: ClinVar variation 2949732 (VCV002949732.3), dbSNP rs2465369854, ClinGen allele CA2740092722.